The following is an entry in ClinVar:

NM_031220.4(PITPNM3):c.2807C>T (p.Ala936Val)

Gene: PITPNM3 (PITPNM family member 3; minus strand). Cytogenetic location: 17p13.2.
Variant type: single nucleotide variant.
Coding change: c.2807C>T on transcript NM_031220.4 (MANE Select); coding-DNA position 2807, C replaced by T.
Protein change: p.Ala936Val; replaces alanine 936 with valine.
Molecular consequence: missense variant.
Genome position (GRCh38, 1-based): chr17:6,455,456, G>A on the plus strand (C>T on the coding strand, the complement: PITPNM3 is on the minus strand). VCF-style: chr17-6455456-G-A. GRCh37 (hg19) VCF-style: chr17-6358776-G-A.
Other names: c.2699C>T, p.Ala900Val (NM_001165966.2); short protein forms A936V, A900V.
Identifiers: ClinVar variation 2235402 (VCV002235402.3), dbSNP rs757934872, ClinGen allele CA8329010.

ClinVar aggregate classification (germline): Uncertain significance. Review status: criteria provided, multiple submitters, no conflicts (2 of 4 stars). 2 submissions from 2 submitters: Uncertain significance (2). Last evaluated 2025-12-09.

Allele frequency attached by ClinVar (database versions not stated): gnomAD exomes 0.00001; gnomAD 0.00001; ExAC 0.00001.
gnomAD v4.1: 8 of 1,604,228 alleles (0.0005%); highest among the groups gnomAD compares: South Asian, 0.0088%; no homozygotes.

Submissions (2):

Labcorp Genetics (formerly Invitae), Labcorp
Classification: Uncertain significance. Last evaluated: 2025-12-09. Review status: criteria provided, single submitter. Criteria: Invitae Variant Classification Sherloc (09022015). Collection method: clinical testing. Allele origin: germline.
Comment: This sequence change replaces alanine, which is neutral and non-polar, with valine, which is neutral and non-polar, at codon 936 of the PITPNM3 protein (p.Ala936Val). This variant is present in population databases (rs757934872, gnomAD 0.01%). This variant has not been reported in the literature in individuals affected with PITPNM3-related conditions. ClinVar contains an entry for this variant (Variation ID: 2235402). An algorithm developed to predict the effect of missense changes on protein structure and function outputs the following: PolyPhen-2: "Benign". The valine amino acid residue is found in multiple mammalian species, which suggests that this missense change does not adversely affect protein function. In summary, the available evidence is currently insufficient to determine the role of this variant in disease. Therefore, it has been classified as a Variant of Uncertain Significance.

Ambry Genetics
Classification: Uncertain significance. Last evaluated: 2021-07-06. Review status: criteria provided, single submitter. Criteria: Ambry Variant Classification Scheme 2023. Collection method: clinical testing. Allele origin: germline.